The following is an entry in ClinVar:

NM_005876.5(SPEG):c.1648C>T (p.Pro550Ser)

Gene: SPEG (striated muscle enriched protein kinase; plus strand). Cytogenetic location: 2q35.
Variant type: single nucleotide variant.
Coding change: c.1648C>T on transcript NM_005876.5 (MANE Select); coding-DNA position 1648, C replaced by T.
Protein change: p.Pro550Ser; replaces proline 550 with serine.
Molecular consequence: missense variant.
Genome position (GRCh38, 1-based): chr2:219,448,806, C>T. VCF-style: chr2-219448806-C-T. GRCh37 (hg19) VCF-style: chr2-220313528-C-T.
Other names: short protein forms P550S.
Identifiers: ClinVar variation 1351644 (VCV001351644.6), dbSNP rs1282426087, ClinGen allele CA350722615.

ClinVar aggregate classification (germline): Uncertain significance (1 of 4 stars; one submission).

Allele frequency attached by ClinVar (database versions not stated): TOPMed below 0.00001.

Submission:

Labcorp Genetics (formerly Invitae), Labcorp
Classification: Uncertain significance. Last evaluated: 2022-02-08. Review status: criteria provided, single submitter. Criteria: Invitae Variant Classification Sherloc (09022015). Collection method: clinical testing. Allele origin: germline.
Comment: This variant has not been reported in the literature in individuals affected with SPEG-related conditions. In summary, the available evidence is currently insufficient to determine the role of this variant in disease. Therefore, it has been classified as a Variant of Uncertain Significance. Algorithms developed to predict the effect of missense changes on protein structure and function are either unavailable or do not agree on the potential impact of this missense change (SIFT: "Tolerated"; PolyPhen-2: "Possibly Damaging"; Align-GVGD: "Class C0"). This variant is not present in population databases (gnomAD no frequency). This sequence change replaces proline, which is neutral and non-polar, with serine, which is neutral and polar, at codon 550 of the SPEG protein (p.Pro550Ser).